The following is an entry in ClinVar:

ClinVar aggregate classification (germline): Uncertain significance (1 of 4 stars; one submission).

Conditions:
NCOA1-related disorder. Also called: NCOA1-related condition.

Allele frequency attached by ClinVar (database versions not stated): gnomAD exomes 0.00008; ExAC 0.00009; gnomAD 0.00016; TOPMed 0.00031; 1000 Genomes Project 0.00040; 1000 Genomes Project 30x 0.00047.
gnomAD v4.1: 154 of 1,614,046 alleles (0.0095%); highest among the groups gnomAD compares: Admixed American, 0.12%; no homozygotes.

Submission:

PreventionGenetics, part of Exact Sciences
Classification: Uncertain significance for NCOA1-related condition. Last evaluated: 2026-03-03. Review status: criteria provided, single submitter. Criteria: ACMG Guidelines, 2015. Collection method: clinical testing. Allele origin: germline.
Comment: The NCOA1 c.4127T>C variant is predicted to result in the amino acid substitution p.Leu1376Pro. This variant has been reported in at least one individual with severe, early onset obesity (Yang et al. 2019. PubMed ID: 30979869; Cacciottolo et al. 2022. PubMed ID: 35137184). The authors showed this variant impaired leptin-mediated POMC reporter activity in a model cell system. A heterozygous knock-in mouse model with the p.Leu1376Pro variant showed contextual memory impairment as early as 6 months old as well as increased food intake and body weight (Yang et al. 2019. PubMed ID: 30979869; Liu et al. 2025. PubMed ID: 40882002). This variant is reported in ~0.12% of alleles in individuals of Latino descent in gnomAD, which is high for a dominant pathogenic variant. At this time, the clinical significance of this variant is uncertain due to the absence of conclusive functional and genetic evidence.

NM_003743.5(NCOA1):c.4127T>C (p.Leu1376Pro)

Gene: NCOA1 (nuclear receptor coactivator 1; plus strand). Cytogenetic location: 2p23.3.
Variant type: single nucleotide variant.
Coding change: c.4127T>C on transcript NM_003743.5 (MANE Select); coding-DNA position 4127, T replaced by C.
Protein change: p.Leu1376Pro; replaces leucine 1376 with proline.
Molecular consequence: missense variant.
Genome position (GRCh38, 1-based): chr2:24,762,748, T>C. VCF-style: chr2-24762748-T-C. GRCh37 (hg19) VCF-style: chr2-24985617-T-C.
Other names: c.4127T>C, p.Leu1376Pro (NM_001362950.1, NM_001362952.1, NM_001362954.1 and 3 more transcripts); short protein forms L1376P.
Identifiers: ClinVar variation 2634186 (VCV002634186.4), dbSNP rs201252444, ClinGen allele CA1552816.